The following is an entry in ClinVar:

ClinVar aggregate classification (germline): Uncertain significance (1 of 4 stars; one submission).

Conditions:
Cardiovascular phenotype. Identifiers: MedGen CN230736.

Submission:

Ambry Genetics
Classification: Uncertain significance for Cardiovascular phenotype. Last evaluated: 2021-11-28. Review status: criteria provided, single submitter. Criteria: Ambry Variant Classification Scheme 2023. Collection method: clinical testing. Allele origin: germline.
Comment: The p.P3463L variant (also known as c.10388C>T), located in coding exon 2 of the ZNF469 gene, results from a C to T substitution at nucleotide position 10388. The proline at codon 3463 is replaced by leucine, an amino acid with similar properties. This amino acid position is conserved. In addition, this alteration is predicted to be tolerated by in silico analysis. Since supporting evidence is limited at this time, the clinical significance of this alteration remains unclear.

NM_001367624.2(ZNF469):c.10472C>T (p.Pro3491Leu)

Gene: ZNF469 (zinc finger protein 469; plus strand). Cytogenetic location: 16q24.2.
Variant type: single nucleotide variant.
Coding change: c.10472C>T on transcript NM_001367624.2 (MANE Select); coding-DNA position 10472, C replaced by T.
Protein change: p.Pro3491Leu; replaces proline 3491 with leucine.
Molecular consequence: missense variant.
Genome position (GRCh38, 1-based): chr16:88,437,942, C>T. VCF-style: chr16-88437942-C-T. GRCh37 (hg19) VCF-style: chr16-88504350-C-T.
Other names: NM_001127464.1:c.10388C>T; short protein forms P3491L.
Identifiers: ClinVar variation 1773080 (VCV001773080.2), dbSNP rs183437633, ClinGen allele CA397127048.
Genomic context (GRCh38, chr16:88,437,942, plus strand): 5'-CCAGCAAACGGCGCAGGGTGGCCATGCCCGGCAGTGCCCCTGGGCCCGGCGAGGACAGGC[C>T]TCCTCCCCGGGGAAGCAGCCCCATCCTGAGTGAGGGCTCTCTCCCGGCCCTGCTCCACCT-3'
Protein context (NP_001354553.1, residues 3481-3501): GSAPGPGEDR[Pro3491Leu]PPRGSSPILS